The following is an entry in ClinVar:

ClinVar aggregate classification (germline): Likely benign (1 of 4 stars; one submission).

Allele frequency attached by ClinVar (database versions not stated): gnomAD exomes below 0.00001.
gnomAD v4.1: 1 of 1,206,018 alleles (0.000083%); highest among the groups gnomAD compares: Non-Finnish European, 0.00011%; no homozygotes.

Submission:

GeneDx
Classification: Likely benign. Last evaluated: 2023-02-24. Review status: criteria provided, single submitter. Criteria: GeneDx Variant Classification Process June 2021. Collection method: clinical testing. Allele origin: germline. Affected: yes.
Comment: Not observed at significant frequency in large population cohorts (gnomAD); In silico analysis supports that this missense variant does not alter protein structure/function; Has not been previously published as pathogenic or benign to our knowledge

NM_016120.4(RLIM):c.274G>C (p.Val92Leu)

Gene: RLIM (ring finger protein, LIM domain interacting; minus strand). Cytogenetic location: Xq13.2.
Variant type: single nucleotide variant.
Coding change: c.274G>C on transcript NM_016120.4 (MANE Select); coding-DNA position 274, G replaced by C.
Protein change: p.Val92Leu; replaces valine 92 with leucine.
Molecular consequence: missense variant.
Genome position (GRCh38, 1-based): chrX:74,593,041, C>G on the plus strand (G>C on the coding strand, the complement: RLIM is on the minus strand). VCF-style: chrX-74593041-C-G. GRCh37 (hg19) VCF-style: chrX-73812876-C-G.
Other names: c.274G>C, p.Val92Leu (NM_183353.3); short protein forms V92L.
Identifiers: ClinVar variation 1878835 (VCV001878835.3), dbSNP rs2519835300, ClinGen allele CA413662751.
Genomic context (GRCh38, chrX:74,593,041, plus strand): 5'-TTGTATTTCCAGTTTGTCTGACAGAGTTAAGCCAGTCTATTATAGAGTCACCATTAGACA[C>G]ATCATCTGAAGAGTCTCCTCCTGTTCAAAACAAAGGAGGGGGAGAGGGAGAAAAAGGAAC-3'
Protein context (NP_057204.2, residues 82-102): ENRGGDSSDD[Val92Leu]SNGDSIIDWL